The following is an entry in ClinVar:

NM_000059.4(BRCA2):c.5261A>G (p.Asp1754Gly)

Gene: BRCA2 (BRCA2 DNA repair associated; plus strand). Cytogenetic location: 13q13.1.
Variant type: single nucleotide variant.
Coding change: c.5261A>G on transcript NM_000059.4 (MANE Select); coding-DNA position 5261, A replaced by G.
Protein change: p.Asp1754Gly; replaces aspartic acid 1754 with glycine.
Molecular consequence: missense variant.
Genome position (GRCh38, 1-based): chr13:32,339,616, A>G. VCF-style: chr13-32339616-A-G. GRCh37 (hg19) VCF-style: chr13-32913753-A-G.
Other names: short protein forms D1754G.
Identifiers: ClinVar variation 433792 (VCV000433792.20), dbSNP rs772772727, ClinGen allele CA6940861.

ClinVar aggregate classification (germline): Conflicting classifications of pathogenicity. Review status: criteria provided, conflicting classifications (1 of 4 stars). 6 submissions from 6 submitters: Uncertain significance (3); Likely benign (2). 1 of the submissions does not count toward it. Last evaluated 2025-08-18.

Conditions:
Hereditary cancer-predisposing syndrome. Also called: Hereditary Cancer Syndrome; Hereditary neoplastic syndrome; Neoplastic Syndromes, Hereditary; Tumor predisposition. Identifiers: Orphanet 140162, MedGen C0027672, MeSH D009386, MONDO:0015356.
Hereditary breast ovarian cancer syndrome. Also called: Hereditary breast and ovarian cancer syndrome (HBOC); Breast and ovarian cancer; BRCA1- and BRCA2-Associated Hereditary Breast and Ovarian Cancer; Hereditary breast and/or ovarian cancer syndrome; Hereditary breast and ovarian cancer; Hereditary breast and ovarian cancer syndrome. Identifiers: Orphanet 145, MedGen C0677776, MeSH D061325, MONDO:0003582. Disease mechanism: loss of function.

Allele frequency attached by ClinVar (database versions not stated): gnomAD exomes below 0.00001; ExAC 0.00001.
gnomAD v4.1: 2 of 1,611,630 alleles (0.00012%); highest among the groups gnomAD compares: Non-Finnish European, 0.00017%; no homozygotes.

Submissions (6):

Labcorp Genetics (formerly Invitae), Labcorp
Classification: Uncertain significance for Hereditary breast ovarian cancer syndrome. Last evaluated: 2025-08-18. Review status: criteria provided, single submitter. Criteria: Invitae Variant Classification Sherloc (09022015). Collection method: clinical testing. Allele origin: germline.
Comment: This sequence change replaces aspartic acid, which is acidic and polar, with glycine, which is neutral and non-polar, at codon 1754 of the BRCA2 protein (p.Asp1754Gly). This variant is present in population databases (rs772772727, gnomAD 0.0009%). This missense change has been observed in individual(s) with breast and/or ovarian cancer (PMID: 32438681). ClinVar contains an entry for this variant (Variation ID: 433792). Invitae Evidence Modeling of protein sequence and biophysical properties (such as structural, functional, and spatial information, amino acid conservation, physicochemical variation, residue mobility, and thermodynamic stability) indicates that this missense variant is not expected to disrupt BRCA2 protein function with a negative predictive value of 95%. RNA analysis performed to evaluate the impact of this missense change on mRNA splicing indicates it does not significantly alter splicing (internal data). In summary, the available evidence is currently insufficient to determine the role of this variant in disease. Therefore, it has been classified as a Variant of Uncertain Significance.

Women's Health and Genetics/Laboratory Corporation of America, LabCorp
Classification: Uncertain significance. Last evaluated: 2025-06-19. Review status: criteria provided, single submitter. Criteria: LabCorp Variant Classification Summary - May 2015. Collection method: clinical testing. Allele origin: germline.
Comment: Variant summary: BRCA2 c.5261A>G (p.Asp1754Gly) results in a non-conservative amino acid change in the encoded protein sequence. Algorithms developed to predict the effect of missense changes on protein structure and function are either unavailable or do not agree on the potential impact of this missense change. The variant allele was found at a frequency of 4e-06 in 250046 control chromosomes. The available data on variant occurrences in the general population are insufficient to allow any conclusion about variant significance. c.5261A>G has been observed in individual(s) affected with breast or ovarian cancer (Santonocito_2020). These report(s) do not provide unequivocal conclusions about association of the variant with Hereditary Breast And Ovarian Cancer Syndrome. To our knowledge, no experimental evidence demonstrating an impact on protein function has been reported. The following publication has been ascertained in the context of this evaluation (PMID: 32438681). ClinVar contains an entry for this variant (Variation ID: 433792). Based on the evidence outlined above, the variant was classified as uncertain significance.

Ambry Genetics
Classification: Likely benign for Hereditary cancer-predisposing syndrome. Last evaluated: 2024-06-27. Review status: criteria provided, single submitter. Criteria: Ambry Variant Classification Scheme 2023. Collection method: clinical testing. Allele origin: germline.

University of Washington Department of Laboratory Medicine, University of Washington
Classification: Likely benign for Hereditary cancer-predisposing syndrome. Last evaluated: 2023-03-23. Review status: criteria provided, single submitter. Criteria: Dines et al. (Genet Med. 2020). Collection method: curation. Allele origin: germline.
Comment: Missense variant in a coldspot region where missense variants are very unlikely to be pathogenic (PMID:31911673).

BRCA2 exon 11 coldspot. Reclassification based on statistical prior probability.

Color Diagnostics, LLC DBA Color Health
Classification: Uncertain significance for Hereditary cancer-predisposing syndrome. Last evaluated: 2020-06-23. Review status: criteria provided, single submitter. Criteria: ACMG Guidelines, 2015. Collection method: clinical testing. Allele origin: germline.
Comment: This missense variant replaces aspartic acid with glycine at codon 1754 of the BRCA2 protein. Computational prediction suggests that this variant may not impact protein structure and function (internally defined REVEL score threshold <= 0.5, PMID: 27666373). To our knowledge, functional studies have not been reported for this variant. This variant has not been reported in individuals affected with hereditary cancer in the literature. This variant has been identified in 1/250046 chromosomes in the general population by the Genome Aggregation Database (gnomAD). The available evidence is insufficient to determine the role of this variant in disease conclusively. Therefore, this variant is classified as a Variant of Uncertain Significance.

Department of Pathology and Laboratory Medicine, Sinai Health System
Classification: Uncertain significance. Review status: no assertion criteria provided. Collection method: clinical testing. Allele origin: unknown. Affected: yes. Observed: 1 variant allele. Study: The Canadian Open Genetics Repository (COGR). Not counted in ClinVar's aggregate classification.
Comment: The p.Asp1754Gly variant was not identified in the literature nor was it identified in the dbSNP, NHLBI Exome Sequencing Project (Exome Variant Server), HGMD, LOVD, COSMIC, UMD, ClinVar, or BIC databases. The p.Asp1754 residue is not conserved in mammals (dog has a serine at this residue) and computational analyses (PolyPhen-2, SIFT, AlignGVGD, BLOSUM, MutationTaster) provide inconsistent predictions regarding the impact to the protein; this information is not very predictive of pathogenicity. The c.5261A>G variant occurs outside of the splicing consensus sequence, however, in silico or computational prediction software (SpliceSiteFinder, MaxEntScan, NNSPLICE, GeneSplicer, HumanSpliceFinder) predicts a greater than 10% difference in splicing in 4 of 5 different programs. However, this information is not predictive enough to assume pathogenicity. In summary, based on the above information, the clinical significance of this variant cannot be determined with certainty at this time. This variant is classified as a variant of unknown significance.

Literature cited by the submitters: PubMed 32438681 (cited by 3 submitters).